The following is an entry in ClinVar:

ClinVar aggregate classification (germline): Uncertain significance (1 of 4 stars; one submission).

Conditions:
Inborn genetic diseases. Identifiers: MedGen C0950123, MeSH D030342.

Submission:

Ambry Genetics
Classification: Uncertain significance for Inborn genetic diseases. Last evaluated: 2025-10-22. Review status: criteria provided, single submitter. Criteria: Ambry Variant Classification Scheme 2023. Collection method: clinical testing. Allele origin: germline.
Comment: The p.S1298L variant (also known as c.3893C>T), located in coding exon 14 of the FANCM gene, results from a C to T substitution at nucleotide position 3893. The serine at codon 1298 is replaced by leucine, an amino acid with dissimilar properties. This amino acid position is conserved. In addition, this alteration is predicted to be tolerated by in silico analysis. Based on the available evidence, the clinical significance of this variant remains unclear.

NM_020937.4(FANCM):c.3893C>T (p.Ser1298Leu)

Gene: FANCM (FA complementation group M; plus strand). Cytogenetic location: 14q21.2.
Variant type: single nucleotide variant.
Coding change: c.3893C>T on transcript NM_020937.4 (MANE Select); coding-DNA position 3893, C replaced by T.
Protein change: p.Ser1298Leu; replaces serine 1298 with leucine.
Molecular consequence: missense variant.
Genome position (GRCh38, 1-based): chr14:45,176,647, C>T. VCF-style: chr14-45176647-C-T. GRCh37 (hg19) VCF-style: chr14-45645850-C-T.
Other names: c.3815C>T, p.Ser1272Leu (NM_001308133.2); short protein forms S1298L, S1272L.
Identifiers: ClinVar variation 4619508 (VCV004619508.1).
Genomic context (GRCh38, chr14:45,176,647, plus strand): 5'-AAGCACTAATACCAAGAGATCATAGTAAAAATTTTACTAGTGGAACTGTTATTATCCCAT[C>T]AAATGAAGATATGCAGAATCCAAATTATGTACATTTGCCACTGAGTGCAGCAAAAAATGA-3'
Protein context (NP_065988.1, residues 1288-1308): NFTSGTVIIP[Ser1298Leu]NEDMQNPNYV